The following is an entry in ClinVar:

ClinVar aggregate classification (germline): Likely benign. Review status: criteria provided, single submitter (1 of 4 stars). 2 submissions from 2 submitters: Likely benign (1). 1 of the submissions does not count toward it. Last evaluated 2024-06-09.

Conditions:
TNXB-related disorder. Also called: TNXB-related condition.
Cardiovascular phenotype. Identifiers: MedGen CN230736.

Allele frequency attached by ClinVar (database versions not stated): gnomAD exomes below 0.00001; TOPMed 0.00001; gnomAD 0.00003.
gnomAD v4.1: 10 of 1,613,434 alleles (0.00062%); highest among the groups gnomAD compares: East Asian, 0.011%; 2 homozygotes.

Submissions (2):

Ambry Genetics
Classification: Likely benign for Cardiovascular phenotype. Last evaluated: 2024-06-09. Review status: criteria provided, single submitter. Criteria: Ambry Variant Classification Scheme 2023. Collection method: clinical testing. Allele origin: germline.

PreventionGenetics, part of Exact Sciences
Classification: Likely benign for TNXB-related condition. Last evaluated: 2019-04-10. Review status: no assertion criteria provided. Collection method: clinical testing. Allele origin: germline. Not counted in ClinVar's aggregate classification.
Comment: This variant is classified as likely benign based on ACMG/AMP sequence variant interpretation guidelines (Richards et al. 2015 PMID: 25741868, with internal and published modifications).

NM_001365276.2(TNXB):c.8679C>T (p.His2893=)

Gene: TNXB (tenascin XB; minus strand). Cytogenetic location: 6p21.33.
Variant type: single nucleotide variant.
Coding change: c.8679C>T on transcript NM_001365276.2 (MANE Select); coding-DNA position 8679, C replaced by T.
Protein change: p.His2893=; no amino-acid change (histidine 2893 retained).
Molecular consequence: synonymous variant.
Genome position (GRCh38, 1-based): chr6:32,053,500, G>A on the plus strand (C>T on the coding strand, the complement: TNXB is on the minus strand). VCF-style: chr6-32053500-G-A. GRCh37 (hg19) VCF-style: chr6-32021277-G-A.
Other names: c.8673C>T, p.His2891= (NM_019105.8).
Identifiers: ClinVar variation 3047721 (VCV003047721.3), dbSNP rs1478716332, ClinGen allele CA449820354.